The following is an entry in ClinVar:

ClinVar aggregate classification (germline): Uncertain significance. Review status: criteria provided, multiple submitters, no conflicts (2 of 4 stars). 2 submissions from 2 submitters: Uncertain significance (2). Last evaluated 2025-08-27.

Conditions:
Inborn genetic diseases. Identifiers: MedGen C0950123, MeSH D030342.

Allele frequency attached by ClinVar (database versions not stated): ExAC 0.00003; gnomAD 0.00007; gnomAD exomes 0.00008; TOPMed 0.00011; ESP Exome Variant Server 0.00015.

Submissions (2):

Ambry Genetics
Classification: Uncertain significance for Inborn genetic diseases. Last evaluated: 2025-08-27. Review status: criteria provided, single submitter. Criteria: Ambry Variant Classification Scheme 2023. Collection method: clinical testing. Allele origin: germline.

Labcorp Genetics (formerly Invitae), Labcorp
Classification: Uncertain significance. Last evaluated: 2025-06-12. Review status: criteria provided, single submitter. Criteria: Invitae Variant Classification Sherloc (09022015). Collection method: clinical testing. Allele origin: germline.
Comment: This sequence change replaces arginine, which is basic and polar, with tryptophan, which is neutral and slightly polar, at codon 230 of the MAPKBP1 protein (p.Arg230Trp). This variant is present in population databases (rs149371998, gnomAD 0.006%). This variant has not been reported in the literature in individuals affected with MAPKBP1-related conditions. ClinVar contains an entry for this variant (Variation ID: 2136603). An algorithm developed to predict the effect of missense changes on protein structure and function (PolyPhen-2) suggests that this variant is likely to be disruptive. In summary, the available evidence is currently insufficient to determine the role of this variant in disease. Therefore, it has been classified as a Variant of Uncertain Significance.

NM_014994.3(MAPKBP1):c.688C>T (p.Arg230Trp)

Gene: MAPKBP1 (mitogen-activated protein kinase binding protein 1; plus strand). Cytogenetic location: 15q15.1.
Variant type: single nucleotide variant.
Coding change: c.688C>T on transcript NM_014994.3 (MANE Select); coding-DNA position 688, C replaced by T.
Protein change: p.Arg230Trp; replaces arginine 230 with tryptophan.
Molecular consequence: missense variant. On other transcripts: non-coding transcript variant (2).
Genome position (GRCh38, 1-based): chr15:41,812,970, C>T. VCF-style: chr15-41812970-C-T. GRCh37 (hg19) VCF-style: chr15-42105168-C-T.
Other names: c.688C>T (NM_001128608.1); c.688C>T, p.Arg230Trp (NM_001128608.2, NM_001265611.2); short protein forms R230W.
Identifiers: ClinVar variation 2136603 (VCV002136603.5), dbSNP rs149371998, ClinGen allele CA7497627.